The following is an entry in ClinVar:

ClinVar aggregate classification (germline): Uncertain significance (1 of 4 stars; one submission).

Submission:

Ambry Genetics
Classification: Uncertain significance. Last evaluated: 2024-09-16. Review status: criteria provided, single submitter. Criteria: Ambry Variant Classification Scheme 2023. Collection method: clinical testing. Allele origin: germline.
Comment: The p.R1763S variant (also known as c.5289A>C), located in coding exon 46 of the KIF1B gene, results from an A to C substitution at nucleotide position 5289. The arginine at codon 1763 is replaced by serine, an amino acid with dissimilar properties. This amino acid position is conserved. In addition, the in silico prediction for this alteration is inconclusive. Based on the available evidence, the clinical significance of this variant remains unclear.

NM_001365951.3(KIF1B):c.5427A>C (p.Arg1809Ser)

Gene: KIF1B (kinesin family member 1B; plus strand). Cytogenetic location: 1p36.22.
Variant type: single nucleotide variant.
Coding change: c.5427A>C on transcript NM_001365951.3 (MANE Select); coding-DNA position 5427, A replaced by C.
Protein change: p.Arg1809Ser; replaces arginine 1809 with serine.
Molecular consequence: missense variant.
Genome position (GRCh38, 1-based): chr1:10,376,563, A>C. VCF-style: chr1-10376563-A-C. GRCh37 (hg19) VCF-style: chr1-10436621-A-C.
Other names: c.5427A>C, p.Arg1809Ser (NM_001365952.1); c.5289A>C, p.Arg1763Ser (NM_015074.3); short protein forms R1763S, R1809S.
Identifiers: ClinVar variation 3534018 (VCV003534018.1).
Genomic context (GRCh38, chr1:10,376,563, plus strand): 5'-TACCCAGACTTCTAATCCTACCTCCCCGTTTGTCCCCCATAGGTCAAAGCTTTCCCGCAG[A>C]TGCCCGAGCCAGTCGAAATACTAAGTGACTCTGCCGAGTGCCCTCACTCGCCTTCGAGAG-3'
Protein context (NP_001352880.1, residues 1799-1816): AGTIRSKLSR[Arg1809Ser]CPSQSKY